The following is an entry in ClinVar:

ClinVar aggregate classification (germline): Conflicting classifications of pathogenicity. Review status: criteria provided, conflicting classifications (1 of 4 stars). 10 submissions from 10 submitters: Uncertain significance (8); Likely benign (2). Last evaluated 2025-12-02.

Conditions:
MSH6-related disorder. Also called: MSH6-Related disorders; MSH6-related condition.
Hereditary nonpolyposis colorectal neoplasms. Identifiers: MedGen C0009405, MeSH D003123.
Hereditary cancer-predisposing syndrome. Also called: Tumor predisposition; Hereditary neoplastic syndrome; Neoplastic Syndromes, Hereditary; Hereditary Cancer Syndrome. Identifiers: Orphanet 140162, MedGen C0027672, MeSH D009386, MONDO:0015356.
Lynch syndrome. Identifiers: Orphanet 144, MedGen C4552100, MONDO:0005835. Disease mechanism: loss of function.
Lynch syndrome 5 (LYNCH5). Also called: Colorectal cancer, hereditary nonpolyposis, type 5; Hereditary non-polyposis colorectal cancer, type 5. Identifiers: Orphanet 144, MedGen C1833477, MONDO:0013710, OMIM 614350. Disease mechanism: loss of function.
Endometrial carcinoma. Also called: Endometrial carcinoma, somatic. Identifiers: MedGen C0476089, MONDO:0002447, OMIM 608089, HP:0012114.

Allele frequency attached by ClinVar (database versions not stated): gnomAD 0.00001; gnomAD exomes 0.00001 and 0.00002; TOPMed 0.00002.

Submissions (10):

PreventionGenetics, part of Exact Sciences
Classification: Uncertain significance for MSH6-related condition. Last evaluated: 2025-12-02. Review status: criteria provided, single submitter. Criteria: ACMG Guidelines, 2015. Collection method: clinical testing. Allele origin: germline.
Comment: The MSH6 c.3505C>G variant is predicted to result in the amino acid substitution p.Pro1169Ala. To our knowledge, this variant has not been reported in the literature. This variant is reported in 0.0018% of alleles in individuals of European (Non-Finnish) descent in gnomAD. This variant is documented in the ClinVar database with conflicting classifications of uncertain significance and likely benign (Variation ID: 455266). Although we suspect that this variant may be benign, at this time, the clinical significance of this variant is uncertain due to the absence of conclusive functional and genetic evidence.

Labcorp Genetics (formerly Invitae), Labcorp
Classification: Likely benign for Hereditary nonpolyposis colorectal neoplasms. Last evaluated: 2025-11-05. Review status: criteria provided, single submitter. Criteria: Invitae Variant Classification Sherloc (09022015). Collection method: clinical testing. Allele origin: germline.

Ambry Genetics
Classification: Uncertain significance for Hereditary cancer-predisposing syndrome. Last evaluated: 2025-02-01. Review status: criteria provided, single submitter. Criteria: Ambry Variant Classification Scheme 2023. Collection method: clinical testing. Allele origin: germline.
Comment: The p.P1169A variant (also known as c.3505C>G), located in coding exon 6 of the MSH6 gene, results from a C to G substitution at nucleotide position 3505. The proline at codon 1169 is replaced by alanine, an amino acid with highly similar properties. This amino acid position is highly conserved in available vertebrate species. In addition, this alteration is predicted to be deleterious by in silico analysis. Since supporting evidence is limited at this time, the clinical significance of this alteration remains unclear.

Myriad Genetics, Inc.
Classification: Likely benign for Lynch syndrome 5. Last evaluated: 2025-01-07. Review status: criteria provided, single submitter. Criteria: Myriad Autosomal Dominant, Autosomal Recessive and X-Linked Classification Criteria (2023). Collection method: clinical testing. Allele origin: unknown.
Comment: This variant is considered likely benign. This variant is strongly associated with less severe personal and family histories of cancer, typical for individuals without pathogenic variants in this gene [PMID: 27363726].

Color Diagnostics, LLC DBA Color Health
Classification: Uncertain significance for Hereditary cancer-predisposing syndrome. Last evaluated: 2024-09-23. Review status: criteria provided, single submitter. Criteria: ACMG Guidelines, 2015. Collection method: clinical testing. Allele origin: germline.
Comment: This missense variant replaces proline with alanine at codon 1169 of the MSH6 protein. Computational prediction suggests that this variant may have deleterious impact on protein structure and function (internally defined REVEL score threshold >= 0.7, PMID: 27666373). To our knowledge, functional studies have not been reported for this variant. This variant has not been reported in individuals affected with MSH6-related disorders in the literature. This variant has been identified in 2/251340 chromosomes in the general population by the Genome Aggregation Database (gnomAD). The available evidence is insufficient to determine the role of this variant in disease conclusively. Therefore, this variant is classified as a Variant of Uncertain Significance.

Baylor Genetics
Classification: Uncertain significance for Endometrial carcinoma. Last evaluated: 2024-03-19. Review status: criteria provided, single submitter. Criteria: ACMG Guidelines, 2015. Collection method: clinical testing. Allele origin: unknown.

GeneDx
Classification: Uncertain significance. Last evaluated: 2023-07-25. Review status: criteria provided, single submitter. Criteria: GeneDx Variant Classification Process June 2021. Collection method: clinical testing. Allele origin: germline. Affected: yes.
Comment: Not observed at significant frequency in large population cohorts (gnomAD); In silico analysis supports that this missense variant has a deleterious effect on protein structure/function; Has not been previously published as pathogenic or benign to our knowledge; This variant is associated with the following publications: (PMID: 22949379, 21120944, 17531815)

All of Us Research Program, National Institutes of Health
Classification: Uncertain significance for Lynch syndrome. Last evaluated: 2023-07-19. Review status: criteria provided, single submitter. Criteria: ACMG Guidelines, 2015. Collection method: clinical testing. Allele origin: germline. Inheritance: Autosomal dominant inheritance. Observed: 1 variant allele, 1 heterozygote.
Comment: This missense variant replaces proline with alanine at codon 1169 of the MSH6 protein. Computational prediction suggests that this variant may have deleterious impact on protein structure and function (internally defined REVEL score threshold >= 0.7, PMID: 27666373). To our knowledge, functional studies have not been reported for this variant. This variant has not been reported in individuals affected with MSH6-related disorders in the literature. This variant has been identified in 2/251340 chromosomes in the general population by the Genome Aggregation Database (gnomAD). The available evidence is insufficient to determine the role of this variant in disease conclusively. Therefore, this variant is classified as a Variant of Uncertain Significance.

This study involves interpretation of variants in research participants for the purpose of population health screening. Participant phenotype was not available at the time of variant classification. Additional details can be found in publication PMID: 35346344, PMCID: PMC8962531

Quest Diagnostics Nichols Institute San Juan Capistrano
Classification: Uncertain significance. Last evaluated: 2020-07-03. Review status: criteria provided, single submitter. Criteria: Quest Diagnostics criteria. Collection method: clinical testing. Allele origin: unknown.

Women's Health and Genetics/Laboratory Corporation of America, LabCorp
Classification: Uncertain significance. Last evaluated: 2016-03-07. Review status: criteria provided, single submitter. Criteria: LabCorp Variant Classification Summary - May 2015. Collection method: clinical testing. Allele origin: germline.

Literature cited by the submitters: PubMed 27363726 (cited by Myriad Genetics, Inc.).

NM_000179.3(MSH6):c.3505C>G (p.Pro1169Ala)

Gene: MSH6 (mutS homolog 6; plus strand). Cytogenetic location: 2p16.3.
Variant type: single nucleotide variant.
Coding change: c.3505C>G on transcript NM_000179.3 (MANE Select); coding-DNA position 3505, C replaced by G.
Protein change: p.Pro1169Ala; replaces proline 1169 with alanine.
Molecular consequence: missense variant.
Genome position (GRCh38, 1-based): chr2:47,804,976, C>G. VCF-style: chr2-47804976-C-G. GRCh37 (hg19) VCF-style: chr2-48032115-C-G.
Other names: c.3115C>G, p.Pro1039Ala (NM_001281492.2); c.2599C>G, p.Pro867Ala (NM_001281493.2, NM_001281494.2); short protein forms P1169A, P1039A, P867A.
Identifiers: ClinVar variation 455266 (VCV000455266.28), dbSNP rs904846776, ClinGen allele CA46717040.